The following is an entry in ClinVar:

ClinVar aggregate classification (germline): Uncertain significance. Review status: criteria provided, multiple submitters, no conflicts (2 of 4 stars). 3 submissions from 3 submitters: Uncertain significance (3). Last evaluated 2026-05-01.

Conditions:
Inborn genetic diseases. Identifiers: MedGen C0950123, MeSH D030342.

Allele frequency attached by ClinVar (database versions not stated): gnomAD exomes below 0.00001; TOPMed 0.00001; gnomAD 0.00002.
gnomAD v4.1: 7 of 1,184,981 alleles (0.00059%); highest among the groups gnomAD compares: African/African-American, 0.0018%; no homozygotes.

Submissions (3):

CeGaT Center for Human Genetics Tuebingen
Classification: Uncertain significance. Last evaluated: 2026-05-01. Review status: criteria provided, single submitter. Criteria: CeGaT Center For Human Genetics Tuebingen Variant Classification Criteria Version 2. Collection method: clinical testing. Allele origin: germline. Affected: yes. Observed: 1 variant allele.
Comment: GRIA3: PM2

Ambry Genetics
Classification: Uncertain significance for Inborn genetic diseases. Last evaluated: 2023-12-22. Review status: criteria provided, single submitter. Criteria: Ambry Variant Classification Scheme 2023. Collection method: clinical testing. Allele origin: germline.

Labcorp Genetics (formerly Invitae), Labcorp
Classification: Uncertain significance. Last evaluated: 2021-08-24. Review status: criteria provided, single submitter. Criteria: Invitae Variant Classification Sherloc (09022015). Collection method: clinical testing. Allele origin: germline.

NM_007325.5(GRIA3):c.742G>A (p.Ala248Thr)

Gene: GRIA3 (glutamate ionotropic receptor AMPA type subunit 3; plus strand). Cytogenetic location: Xq25.
Variant type: single nucleotide variant.
Coding change: c.742G>A on transcript NM_007325.5 (MANE Select); coding-DNA position 742, G replaced by A.
Protein change: p.Ala248Thr; replaces alanine 248 with threonine.
Molecular consequence: missense variant.
Genome position (GRCh38, 1-based): chrX:123,354,955, G>A. VCF-style: chrX-123354955-G-A. GRCh37 (hg19) VCF-style: chrX-122488806-G-A.
Other names: c.742G>A (NM_000828.4); c.742G>A, p.Ala248Thr (NM_000828.5); short protein forms A248T.
Identifiers: ClinVar variation 1412612 (VCV001412612.6), dbSNP rs1183014762, ClinGen allele CA414255027.
Genomic context (GRCh38, chrX:123,354,955, plus strand): 5'-TTCTTCTTTCTGCAGGTTGTGATCCTAGGGAAACACTCAAGAGGTTATCACTACATGCTC[G>A]CTAACCTGGTAAGAACAAGCAAGTGTCCCTGGGCAATATATCCTATTTAGTTTGAATTTT-3'
Protein context (NP_015564.5, residues 238-258): KHSRGYHYML[Ala248Thr]NLGFTDILLE